The following is an entry in ClinVar:

NM_025207.5(FLAD1):c.788G>A (p.Arg263Gln)

Gene: FLAD1 (flavin adenine dinucleotide synthetase 1; plus strand). Cytogenetic location: 1q21.3.
Variant type: single nucleotide variant.
Coding change: c.788G>A on transcript NM_025207.5 (MANE Select); coding-DNA position 788, G replaced by A.
Protein change: p.Arg263Gln; replaces arginine 263 with glutamine.
Molecular consequence: missense variant.
Genome position (GRCh38, 1-based): chr1:154,988,520, G>A. VCF-style: chr1-154988520-G-A. GRCh37 (hg19) VCF-style: chr1-154960996-G-A.
Other names: c.497G>A, p.Arg166Gln (NM_001184891.2, NM_201398.3); c.491G>A, p.Arg164Gln (NM_001184892.2); short protein forms R164Q, R166Q, R263Q.
Identifiers: ClinVar variation 2501491 (VCV002501491.3), dbSNP rs566351390, ClinGen allele CA1134402.
Genomic context (GRCh38, chr1:154,988,520, plus strand): 5'-TCCCTCTGGTCTCCGTCCGAAACGTCTACCTCTTCCCAGGCATTCCAGAGCTGCTGCGGC[G>A]GGTGCTGGAGGGGATGAAGGGACTATTCCAAAACCCAGCTGTTCAGTTCCACTCAAAGGA-3'
Protein context (NP_079483.3, residues 253-273): LFPGIPELLR[Arg263Gln]VLEGMKGLFQ

ClinVar aggregate classification (germline): Uncertain significance. Review status: criteria provided, multiple submitters, no conflicts (2 of 4 stars). 3 submissions from 3 submitters: Uncertain significance (3). Last evaluated 2025-09-09.

Conditions:
Inborn genetic diseases. Identifiers: MedGen C0950123, MeSH D030342.

Allele frequency attached by ClinVar (database versions not stated): TOPMed 0.00001; gnomAD exomes 0.00002; gnomAD 0.00004; 1000 Genomes Project 0.00060; 1000 Genomes Project 30x 0.00078; ExAC 0.00001.

Submissions (3):

Ambry Genetics
Classification: Uncertain significance for Inborn genetic diseases. Last evaluated: 2025-09-09. Review status: criteria provided, single submitter. Criteria: Ambry Variant Classification Scheme 2023. Collection method: clinical testing. Allele origin: germline.

Labcorp Genetics (formerly Invitae), Labcorp
Classification: Uncertain significance. Last evaluated: 2023-03-08. Review status: criteria provided, single submitter. Criteria: Invitae Variant Classification Sherloc (09022015). Collection method: clinical testing. Allele origin: germline.
Comment: In summary, the available evidence is currently insufficient to determine the role of this variant in disease. Therefore, it has been classified as a Variant of Uncertain Significance. An algorithm developed to predict the effect of missense changes on protein structure and function (PolyPhen-2) suggests that this variant¬† is likely to be tolerated. This variant has not been reported in the literature in individuals affected with FLAD1-related conditions. This variant is present in population databases (rs566351390, gnomAD 0.003%). This sequence change replaces arginine, which is basic and polar, with glutamine, which is neutral and polar, at codon 263 of the FLAD1 protein (p.Arg263Gln).

GeneDx
Classification: Uncertain significance. Last evaluated: 2022-11-04. Review status: criteria provided, single submitter. Criteria: GeneDx Variant Classification Process June 2021. Collection method: clinical testing. Allele origin: germline. Affected: yes.
Comment: Not observed at significant frequency in large population cohorts (gnomAD); In silico analysis supports that this missense variant does not alter protein structure/function; Has not been previously published as pathogenic or benign to our knowledge